The following is an entry in ClinVar:

ClinVar aggregate classification (germline): Uncertain significance (1 of 4 stars; one submission).

Submission:

Labcorp Genetics (formerly Invitae), Labcorp
Classification: Uncertain significance. Last evaluated: 2024-08-30. Review status: criteria provided, single submitter. Criteria: Invitae Variant Classification Sherloc (09022015). Collection method: clinical testing. Allele origin: germline.
Comment: This sequence change replaces valine, which is neutral and non-polar, with methionine, which is neutral and non-polar, at codon 27 of the JAK1 protein (p.Val27Met). This variant is not present in population databases (gnomAD no frequency). This variant has not been reported in the literature in individuals affected with JAK1-related conditions. An algorithm developed to predict the effect of missense changes on protein structure and function outputs the following: PolyPhen-2: "Benign". The methionine amino acid residue is found in multiple mammalian species, which suggests that this missense change does not adversely affect protein function. In summary, the available evidence is currently insufficient to determine the role of this variant in disease. Therefore, it has been classified as a Variant of Uncertain Significance.

NM_002227.4(JAK1):c.79G>A (p.Val27Met)

Genes: JAK1 (Janus kinase 1; minus strand), LOC129930680 (ATAC-STARR-seq lymphoblastoid active region 1132; plus strand). Cytogenetic location: 1p31.3.
Variant type: single nucleotide variant.
Coding change: c.79G>A on transcript NM_002227.4 (MANE Select); coding-DNA position 79, G replaced by A.
Protein change: p.Val27Met; replaces valine 27 with methionine.
Molecular consequence: missense variant.
Genome position (GRCh38, 1-based): chr1:64,883,403, C>T on the plus strand (G>A on the coding strand, the complement: JAK1 is on the minus strand). VCF-style: chr1-64883403-C-T. GRCh37 (hg19) VCF-style: chr1-65349086-C-T.
Other names: c.79G>A, p.Val27Met (NM_001320923.2, NM_001321852.2, NM_001321853.2 and 4 more transcripts); short protein forms V27M.
Identifiers: ClinVar variation 3649704 (VCV003649704.2).